The following is an entry in ClinVar:

NM_005629.4(SLC6A8):c.116G>A (p.Gly39Asp)

Gene: SLC6A8 (solute carrier family 6 member 8; plus strand). Cytogenetic location: Xq28.
Variant type: single nucleotide variant.
Coding change: c.116G>A on transcript NM_005629.4 (MANE Select); coding-DNA position 116, G replaced by A.
Protein change: p.Gly39Asp; replaces glycine 39 with aspartic acid.
Molecular consequence: missense variant.
Genome position (GRCh38, 1-based): chrX:153,688,690, G>A. VCF-style: chrX-153688690-G-A. GRCh37 (hg19) VCF-style: chrX-152954145-G-A.
Other names: NM_005629.4(SLC6A8):c.116G>A; p.Gly39Asp; c.116G>A, p.Gly39Asp (NM_001142805.2); short protein forms G39D.
Identifiers: ClinVar variation 410221 (VCV000410221.10), dbSNP rs781997638, ClinGen allele CA16616458.

ClinVar aggregate classification (germline): Uncertain significance. Review status: reviewed by expert panel (3 of 4 stars). 2 submissions from 2 submitters: Uncertain significance (1). 1 of the submissions does not count toward it. Last evaluated 2026-04-28.

Conditions:
Creatine transporter deficiency (CCDS1). Also called: Creatine Transporter (CRTR) Deficiency; Mental retardation , X-linked with seizures, short stature and midface hypoplasia; Mental retardation , X-linked, with creatine transport deficiency; X-linked creatine transporter deficiency; X-linked creatine deficiency syndrome; SLC6A8-Related Creatine Transporter Deficiency. Identifiers: Orphanet 52503, MedGen C1845862, MONDO:0010305, OMIM 300352.

Submissions (2):

ClinGen Cerebral Creatine Deficiency Syndromes Variant Curation Expert Panel, ClinGen
Classification: Uncertain significance for Creatine transporter deficiency. Last evaluated: 2026-04-28. Review status: reviewed by expert panel. Criteria: ClinGen_CCDS_ACMG_Specifications_SLC6A8_v1.1. Collection method: curation. Allele origin: germline. Inheritance: X-linked inheritance.
Comment: The NM_005629.4:c.116G>A variant in SLC6A8 is a missense variant predicted to cause substitution of glycine for aspartic acid at amino acid 39 (p.Gly39Asp). This variant is absent from gnomAD v4.1.0 (PM2_Supporting). The computational predictor REVEL gives a score of 0.107, which is below the threshold of 0.2, and does not predict a damaging effect on SLC6A8 function (BP4). To our knowledge, this variant has not been previously reported in any individuals with creatine transporter deficiency in the literature. There is a ClinVar entry for this variant (Variation ID:410221). In summary, this variant meets the criteria to be classified as a variant of uncertain significance for creatine transporter deficiency based on the SLC6A8-specific ACMG/AMP criteria applied, as specified by the ClinGen Cerebral Creatine Deficiency Syndromes Variant Curation Expert Panel (Specifications Version 1.2.0): PM2_Supporting, BP4. (Classification approved by the ClinGen Cerebral Creatine Deficiency Syndromes Variant Curation Expert Panel on April 28, 2026).

Labcorp Genetics (formerly Invitae), Labcorp
Classification: Uncertain significance for Creatine transporter deficiency. Last evaluated: 2022-08-09. Review status: criteria provided, single submitter. Criteria: Invitae Variant Classification Sherloc (09022015). Collection method: clinical testing. Allele origin: germline. Not counted in ClinVar's aggregate classification.
Comment: In summary, the available evidence is currently insufficient to determine the role of this variant in disease. Therefore, it has been classified as a Variant of Uncertain Significance. Advanced modeling of protein sequence and biophysical properties (such as structural, functional, and spatial information, amino acid conservation, physicochemical variation, residue mobility, and thermodynamic stability) performed at Invitae indicates that this missense variant is not expected to disrupt SLC6A8 protein function. ClinVar contains an entry for this variant (Variation ID: 410221). This variant has not been reported in the literature in individuals affected with SLC6A8-related conditions. This variant is not present in population databases (gnomAD no frequency). This sequence change replaces glycine, which is neutral and non-polar, with aspartic acid, which is acidic and polar, at codon 39 of the SLC6A8 protein (p.Gly39Asp).